The following is an entry in ClinVar:

NM_000500.9(CYP21A2):c.1069C>T (p.Arg357Trp)

Genes: CYP21A2 (cytochrome P450 family 21 subfamily A member 2; plus strand), TNXB (tenascin XB; minus strand), LOC106780800 (CYP21A2 recombination region; plus strand). Cytogenetic location: 6p21.33.
Variant type: single nucleotide variant.
Coding change: c.1069C>T on transcript NM_000500.9 (MANE Select); coding-DNA position 1069, C replaced by T.
Protein change: p.Arg357Trp; replaces arginine 357 with tryptophan.
Molecular consequence: missense variant.
Genome position (GRCh38, 1-based): chr6:32,040,535, C>T. VCF-style: chr6-32040535-C-T. GRCh37 (hg19) VCF-style: chr6-32008312-C-T.
Other names: R356W; p.Arg357Trp (legacy p.Arg356Trp); dbSNP:rs7769409; c.979C>T, p.Arg327Trp (NM_001128590.4); c.664C>T, p.Arg222Trp (NM_001368143.2, NM_001368144.2); short protein forms R357W, R327W, R222W.
Identifiers: ClinVar variation 12152 (VCV000012152.38), dbSNP rs7769409, ClinGen allele CA341181.
Genomic context (GRCh38, chr6:32,040,535, plus strand): 5'-TACAAGGACCGTGCACGGCTGCCCTTGCTCAATGCCACCATCGCCGAGGTGCTGCGCCTG[C>T]GGCCCGTTGTGCCCTTAGCCTTGCCCCACCGCACCACACGGCCCAGCAGGTGACTCCCGA-3'
Protein context (NP_000491.4, residues 347-367): NATIAEVLRL[Arg357Trp]PVVPLALPHR

ClinVar aggregate classification (germline): Pathogenic. Review status: criteria provided, multiple submitters, no conflicts (2 of 4 stars). 21 submissions from 21 submitters: Pathogenic (18). 3 of the submissions do not count toward it. Last evaluated 2026-07-18.

Conditions:
CYP21A2-related disorder. Also called: CYP21A2-related condition.
21-Hydroxylase-Deficient Congenital Adrenal Hyperplasia. Also called: ADRENAL HYPERPLASIA, CONGENITAL, DUE TO 21-HYDROXYLASE DEFICIENCY; ADRENAL HYPERPLASIA III. Identifiers: MedGen C2936858, OMIM 201910.

Allele frequency attached by ClinVar (database versions not stated): gnomAD 0.00007; gnomAD exomes 0.00007.

Submissions 1 to 11 of 21:

Department of Medical Genetics, Ordu University Medical School Training and Research Hospital
Classification: Pathogenic for 21-Hydroxylase-Deficient Congenital Adrenal Hyperplasia. Last evaluated: 2026-07-18. Review status: criteria provided, single submitter. Criteria: ACMG Guidelines, 2015. Collection method: research. Allele origin: germline. Inheritance: Autosomal recessive inheritance. Affected: yes. Observed: 7 variant alleles, 7 heterozygotes.
Comment: This variant (NM_000500.9:c.1069C>T, p.Arg357Trp) is a classic salt-wasting allele. ACMG/AMP criteria applied: PS3 (functional studies show severely reduced enzyme activity), PM1 (missense change at a residue critical for enzyme function), PP4 (phenotype specific for CYP21A2 disease), and PP5 (well-established as Pathogenic in ClinVar). In this cohort it was demonstrated in cis with p.Pro454Ser as the classic [p.Arg357Trp; p.Pro454Ser] haplotype, confirmed through unaffected carrier fathers in two families. Combined evidence meets the ACMG 2015 criteria for a Pathogenic classification.

Medical and Scientific Branch, Hong Kong Genome Institute
Classification: Pathogenic for 21-Hydroxylase-Deficient Congenital Adrenal Hyperplasia. Last evaluated: 2026-01-26. Review status: criteria provided, single submitter. Criteria: ACMG Guidelines, 2015. Collection method: clinical testing. Allele origin: paternal. Affected: yes.

Quest Diagnostics Nichols Institute San Juan Capistrano
Classification: Pathogenic. Last evaluated: 2025-04-24. Review status: criteria provided, single submitter. Criteria: Quest Diagnostics criteria. Collection method: clinical testing. Allele origin: unknown.
Comment: The CYP21A2 c.1069C>T (p.Arg357Trp) variant (also known as R357W or R356W) has been reported in multiple affected individuals and is associated with salt-wasting CAH (PMID: 10496074 (1999), 1496017 (1992), 21329531 (2011), 23359698 (2013), 24904866 (2013), 26206692 (2015), 26804566 (2016), 31586465 (2020), 35094236 (2022), 36167262 (2023)). Functional studies indicate this variant causes a near complete loss of enzymatic activity (PMID: 2303461 (1990), 14513879 (2003), 21134444 (2011)). Based on the available information, this variant is classified as pathogenic.

Labcorp Genetics (formerly Invitae), Labcorp
Classification: Pathogenic. Last evaluated: 2025-01-23. Review status: criteria provided, single submitter. Criteria: Invitae Variant Classification Sherloc (09022015). Collection method: clinical testing. Allele origin: germline.
Comment: This sequence change replaces arginine, which is basic and polar, with tryptophan, which is neutral and slightly polar, at codon 357 of the CYP21A2 protein (p.Arg357Trp). The frequency data for this variant in the population databases (gnomAD) is considered unreliable due to the presence of homologous sequence, such as pseudogenes or paralogs, in the genome. This missense change has been observed in individual(s) with classic salt-wasting, simple virilizing, and non-classic congenital adrenal hyperplasia due to 21-hydroxylase deficiency (PMID: 2303461, 23359698, 25227725, 26804566). In at least one individual the data is consistent with being in trans (on the opposite chromosome) from a pathogenic variant. This variant is also known as R356W. ClinVar contains an entry for this variant (Variation ID: 12152). Invitae Evidence Modeling of protein sequence and biophysical properties (such as structural, functional, and spatial information, amino acid conservation, physicochemical variation, residue mobility, and thermodynamic stability) indicates that this missense variant is expected to disrupt CYP21A2 protein function with a positive predictive value of 80%. Experimental studies have shown that this missense change affects CYP21A2 function (PMID: 2303461, 21134444). For these reasons, this variant has been classified as Pathogenic.

Centre for Clinical Genetics and Genomic Diagnostics, Zealand University Hospital
Classification: Pathogenic. Last evaluated: 2025-01-14. Review status: criteria provided, single submitter. Criteria: ACMG Guidelines, 2015. Collection method: clinical testing. Allele origin: germline. Affected: yes.

Genomic Medicine Center of Excellence, King Faisal Specialist Hospital and Research Centre
Classification: Pathogenic for 21-Hydroxylase-Deficient Congenital Adrenal Hyperplasia. Last evaluated: 2024-12-10. Review status: criteria provided, single submitter. Criteria: ACMG Guidelines, 2015. Collection method: clinical testing. Allele origin: germline.
Comment: PS3, PM1, PM2, PM3, PM5, PP3, PP5

3billion
Classification: Pathogenic for 21-Hydroxylase-Deficient Congenital Adrenal Hyperplasia. Last evaluated: 2024-01-25. Review status: criteria provided, single submitter. Criteria: ACMG Guidelines, 2015. Collection method: clinical testing. Allele origin: germline. Affected: yes.
Comment: The variant is observed at an extremely low frequency in the gnomAD v2.1.1 dataset (total allele frequency: 0.002%). Predicted Consequence/Location: Missense variant In silico tool predictions suggest damaging effect of the variant on gene or gene product [REVEL: 0.68 (>=0.6, sensitivity 0.68 and specificity 0.92); 3Cnet: 0.99 (>=0.6, sensitivity 0.72 and precision 0.9)]. Same nucleotide change resulting in same amino acid change has been previously reported as pathogenic/likely pathogenic with strong evidence (ClinVar ID: VCV000012152 /PMID: 2303461 /3billion dataset). The variant has been reported to be in trans with a pathogenic variant as either compound heterozygous or homozygous in at least 2 similarly affected unrelated individuals (PMID: 21329531, 26206692). Different missense changes at the same codon (p.Arg357Gln, p.Arg357Pro) have been reported as pathogenic/likely pathogenic with strong evidence (ClinVar ID: VCV000988494, VCV001675315 /PMID: 9099839, 9187661). Therefore, this variant is classified as Pathogenic according to the recommendation of ACMG/AMP guideline.

Greenwood Genetic Center Diagnostic Laboratories, Greenwood Genetic Center
Classification: Pathogenic for 21-Hydroxylase-Deficient Congenital Adrenal Hyperplasia. Last evaluated: 2023-12-21. Review status: criteria provided, single submitter. Criteria: ACMG Guidelines, 2015. Collection method: clinical testing. Allele origin: germline. Affected: yes.
Comment: PS3, PM1, PM3_Very Strong, PM5, PP3

Athena Diagnostics
Classification: Pathogenic. Last evaluated: 2023-06-29. Review status: criteria provided, single submitter. Criteria: Athena Diagnostics Criteria. Collection method: clinical testing. Allele origin: unknown.
Comment: Frequency data for this variant in the general population cannot be distinguished from that of the CYP21P pseudogene, and are therefore uninformative in assessment of variant pathogenicity. In some published literature, this variant is referred to as p.Arg356Trp. In multiple individuals, this variant has been seen in trans with other recessive pathogenic variants in CYP21A2, suggesting this variant is also pathogenic. Assessment of experimental evidence suggests this variant results in abnormal protein function. Several studies show this variant causes loss of enzymatic activity (PMID: 26206692, 21329531, 14513879).

Neuberg Centre For Genomic Medicine, NCGM
Classification: Pathogenic for 21-Hydroxylase-Deficient Congenital Adrenal Hyperplasia. Last evaluated: 2023-06-22. Review status: criteria provided, single submitter. Criteria: ACMG Guidelines, 2015. Collection method: clinical testing. Allele origin: germline. Inheritance: Autosomal recessive inheritance. Affected: yes.
Comment: The observed missense c.1069C>Tp.Arg357Trp variant in CYP21A2 gene has been reported previously in homozygous or compound heterozygous state in individuals affected with Congenital adrenal hyperplasia CAH Tippabathani et al., 2023. Experimental studies have shown that this missense change affects CYP21A2 function Chiou et al., 1190; Gaffney et al., 2010. This variant is reported with the allele frequency of 0.001% in the gnomAD Exomes. The frequency data for this variant in the population databases gnomAD is considered unreliable due to the presence of homologous sequence, such as pseudogenes or paralogs, in the genome. About 203 total individuals have variant depth in the 0 - 5 range in gnomAD database. This variant has been reported to the ClinVar database as Pathogenic multiple submitters. The amino acid Arg at position 357 is changed to a Trp changing protein sequence and it might alter its composition and physico-chemical properties. The amino acid change p.Arg357Trp in CYP21A2 is predicted as conserved by GERP++ and PhyloP across 100 vertebrates. Multiple lines of computational evidence Polyphen - Possibly Damaging, SIFT - Damaging, and MutationTaster - Disease causing automatic predict a damaging effect on protein structure and function for this variant. For these reasons, this variant has been classified as Pathogenic.

PreventionGenetics, part of Exact Sciences
Classification: Pathogenic for CYP21A2-related condition. Last evaluated: 2023-04-17. Review status: criteria provided, single submitter. Criteria: ACMG Guidelines, 2015. Collection method: clinical testing. Allele origin: germline.
Comment: The CYP21A2 c.1069C>T variant is predicted to result in the amino acid substitution p.Arg357Trp. In the literature, this variant is also referred to as R356W. This variant has been reported to be associated with salt-wasting (SW) congenital adrenal hyperplasia (CAH) (see for example at Finkielstain et al. 2011. PubMed ID: 20926536; New et al. 2013. PubMed ID: 23359698). This is a common deleterious variant, which likely originated from the pseudogene CYP21A1P via gene conversion. This variant is interpreted as pathogenic.